The following is an entry in ClinVar:

ClinVar aggregate classification (germline): Pathogenic (1 of 4 stars; one submission).

Conditions:
LAMA2-related muscular dystrophy (LAMA2-RD). Also called: Laminin alpha 2-related dystrophy. Identifiers: MedGen C5679788, MONDO:0100228.

Submission:

Labcorp Genetics (formerly Invitae), Labcorp
Classification: Pathogenic for LAMA2-related muscular dystrophy. Last evaluated: 2022-09-26. Review status: criteria provided, single submitter. Criteria: Invitae Variant Classification Sherloc (09022015). Collection method: clinical testing. Allele origin: germline.
Comment: For these reasons, this variant has been classified as Pathogenic. This variant disrupts a region of the LAMA2 protein in which other variant(s) (p.Arg3085*) have been determined to be pathogenic (PMID: 11591858). This suggests that this is a clinically significant region of the protein, and that variants that disrupt it are likely to be disease-causing. A similar copy number variant has been observed in individual(s) with congenital muscular dystrophy (Invitae). In at least one individual the data is consistent with being in trans (on the opposite chromosome) from a pathogenic variant. This variant is a gross deletion of the genomic region encompassing exon(s) 65 of the LAMA2 gene, which includes the termination codon. This deletion extends beyond the assayed region for this gene and therefore may encompass additional genes. While this deletion is not anticipated to lead to nonsense mediated decay, it is expected to alter mRNA translation or result in a truncated protein product.

Literature cited by the submitters: PubMed 11591858.

NC_000006.11:g.(?_129837325)_(129837502_?)del

Gene: LAMA2 (laminin subunit alpha 2; plus strand). Cytogenetic location: 6q22.33.
Variant type: Deletion.
Identifiers: ClinVar variation 1069560 (VCV001069560.9).